The following is an entry in ClinVar:

NM_015338.6(ASXL1):c.2311G>A (p.Val771Ile)

Gene: ASXL1 (ASXL transcriptional regulator 1; plus strand). Cytogenetic location: 20q11.21.
Variant type: single nucleotide variant.
Coding change: c.2311G>A on transcript NM_015338.6 (MANE Select); coding-DNA position 2311, G replaced by A.
Protein change: p.Val771Ile; replaces valine 771 with isoleucine.
Molecular consequence: missense variant.
Genome position (GRCh38, 1-based): chr20:32,435,023, G>A. VCF-style: chr20-32435023-G-A. GRCh37 (hg19) VCF-style: chr20-31022826-G-A.
Other names: c.2128G>A, p.Val710Ile (NM_001363734.1); short protein forms V771I, V710I.
Identifiers: ClinVar variation 4843669 (VCV004843669.1).

ClinVar aggregate classification (germline): Uncertain significance (1 of 4 stars; one submission).

Conditions:
Inborn genetic diseases. Identifiers: MedGen C0950123, MeSH D030342.

Submission:

Ambry Genetics
Classification: Uncertain significance for Inborn genetic diseases. Last evaluated: 2026-01-11. Review status: criteria provided, single submitter. Criteria: Ambry Variant Classification Scheme 2023. Collection method: clinical testing. Allele origin: germline.
Comment: The p.V771I variant (also known as c.2311G>A), located in coding exon 13 of the ASXL1 gene, results from a G to A substitution at nucleotide position 2311. The valine at codon 771 is replaced by isoleucine, an amino acid with highly similar properties. This amino acid position is conserved. In addition, this alteration is predicted to be tolerated by in silico analysis. Based on the available evidence, the clinical significance of this variant remains unclear.